The following is an entry in ClinVar:

NM_000231.3(SGCG):c.755G>A (p.Trp252Ter)

Gene: SGCG (sarcoglycan gamma; plus strand). Cytogenetic location: 13q12.12.
Variant type: single nucleotide variant.
Coding change: c.755G>A on transcript NM_000231.3 (MANE Select); coding-DNA position 755, G replaced by A.
Protein change: p.Trp252Ter; replaces tryptophan 252 with a stop codon.
Molecular consequence: nonsense.
Genome position (GRCh38, 1-based): chr13:23,324,420, G>A. VCF-style: chr13-23324420-G-A. GRCh37 (hg19) VCF-style: chr13-23898559-G-A.
Other names: c.809G>A, p.Trp270Ter (NM_001378244.1); c.755G>A, p.Trp252Ter (NM_001378245.1, NM_001378246.1); short protein forms W252*, W270*.
Identifiers: ClinVar variation 4817943 (VCV004817943.1).

ClinVar aggregate classification (germline): Likely pathogenic (1 of 4 stars; one submission).

Conditions:
Autosomal recessive limb-girdle muscular dystrophy type 2C (LGMDR5). Also called: MUSCULAR DYSTROPHY, DUCHENNE-LIKE; MUSCULAR DYSTROPHY, LIMB-GIRDLE, AUTOSOMAL RECESSIVE 5. Identifiers: Orphanet 353, MedGen C0410173, MONDO:0009677, OMIM 253700. Disease mechanism: Affects gamma-sarcoglycan and also disrupts the integrity of the entire sarcoglycan complex..

Submission:

Natera, Inc.
Classification: Likely pathogenic for Limb-girdle muscular dystrophy type 2C. Last evaluated: 2025-11-05. Review status: criteria provided, single submitter. Criteria: Natera Variant Classification Schema (03/2026). Collection method: clinical testing. Allele origin: germline.
Comment: The c.755G>A variant in SGCG is a nonsense variant predicted to introduce a stop codon at amino acid 252. This variant is expected to result in nonsense mediated decay, truncation, or a dysfunctional protein product. This variant is rare in the general population with a frequency below the threshold expected for the associated phenotype(s). Given the available evidence, this variant is classified as Likely Pathogenic.